The following is an entry in ClinVar:

ClinVar aggregate classification (germline): Conflicting classifications of pathogenicity. Review status: criteria provided, conflicting classifications (1 of 4 stars). 2 submissions from 2 submitters: Uncertain significance (1); Likely benign (1). Last evaluated 2026-07-07.

Conditions:
Tuberous sclerosis 1 (TSC1). Identifiers: Orphanet 805, MedGen C1854465, MONDO:0008612, OMIM 191100.
Hereditary cancer-predisposing syndrome. Also called: Tumor predisposition; Hereditary Cancer Syndrome; Hereditary neoplastic syndrome; Neoplastic Syndromes, Hereditary. Identifiers: Orphanet 140162, MedGen C0027672, MeSH D009386, MONDO:0015356.

Submissions (2):

Ambry Genetics
Classification: Likely benign for Hereditary cancer-predisposing syndrome. Last evaluated: 2026-07-07. Review status: criteria provided, single submitter. Criteria: Ambry Variant Classification Scheme 2023. Collection method: clinical testing. Allele origin: germline.

Labcorp Genetics (formerly Invitae), Labcorp
Classification: Uncertain significance for Tuberous sclerosis 1. Last evaluated: 2023-02-03. Review status: criteria provided, single submitter. Criteria: Invitae Variant Classification Sherloc (09022015). Collection method: clinical testing. Allele origin: germline.
Comment: This sequence change replaces lysine, which is basic and polar, with asparagine, which is neutral and polar, at codon 745 of the TSC1 protein (p.Lys745Asn). This variant is not present in population databases (gnomAD no frequency). This variant has not been reported in the literature in individuals affected with TSC1-related conditions. ClinVar contains an entry for this variant (Variation ID: 1051577). Advanced modeling of protein sequence and biophysical properties (such as structural, functional, and spatial information, amino acid conservation, physicochemical variation, residue mobility, and thermodynamic stability) performed at Invitae indicates that this missense variant is not expected to disrupt TSC1 protein function. In summary, the available evidence is currently insufficient to determine the role of this variant in disease. Therefore, it has been classified as a Variant of Uncertain Significance.

NM_000368.5(TSC1):c.2235G>C (p.Lys745Asn)

Gene: TSC1 (TSC complex subunit 1; minus strand). Cytogenetic location: 9q34.13.
Variant type: single nucleotide variant.
Coding change: c.2235G>C on transcript NM_000368.5 (MANE Select); coding-DNA position 2235, G replaced by C.
Protein change: p.Lys745Asn; replaces lysine 745 with asparagine.
Molecular consequence: missense variant.
Genome position (GRCh38, 1-based): chr9:132,902,761, C>G on the plus strand (G>C on the coding strand, the complement: TSC1 is on the minus strand). VCF-style: chr9-132902761-C-G. GRCh37 (hg19) VCF-style: chr9-135778148-C-G.
Other names: c.2232G>C, p.Lys744Asn (NM_001162426.2); c.2082G>C, p.Lys694Asn (NM_001162427.2); c.1872G>C, p.Lys624Asn (NM_001362177.2); short protein forms K624N, K694N, K744N, K745N.
Identifiers: ClinVar variation 1051577 (VCV001051577.12), dbSNP rs753265422, ClinGen allele CA375359995.